The following is an entry in ClinVar:

NM_004423.4(DVL3):c.1509C>A (p.Asn503Lys)

Gene: DVL3 (dishevelled segment polarity protein 3; plus strand). Cytogenetic location: 3q27.1.
Variant type: single nucleotide variant.
Coding change: c.1509C>A on transcript NM_004423.4 (MANE Select); coding-DNA position 1509, C replaced by A.
Protein change: p.Asn503Lys; replaces asparagine 503 with lysine.
Molecular consequence: missense variant.
Genome position (GRCh38, 1-based): chr3:184,170,016, C>A. VCF-style: chr3-184170016-C-A. GRCh37 (hg19) VCF-style: chr3-183887804-C-A.
Other names: short protein forms N503K.
Identifiers: ClinVar variation 4245677 (VCV004245677.2).

ClinVar aggregate classification (germline): Uncertain significance. Review status: criteria provided, multiple submitters, no conflicts (2 of 4 stars). 2 submissions from 2 submitters: Uncertain significance (2). Last evaluated 2025-08-13.

Conditions:
Inborn genetic diseases. Identifiers: MedGen C0950123, MeSH D030342.

gnomAD v4.1: 69 of 1,606,148 alleles (0.0043%); highest among the groups gnomAD compares: Non-Finnish European, 0.0053%; no homozygotes.

Submissions (2):

Ambry Genetics
Classification: Uncertain significance for Inborn genetic diseases. Last evaluated: 2025-08-13. Review status: criteria provided, single submitter. Criteria: Ambry Variant Classification Scheme 2023. Collection method: clinical testing. Allele origin: germline.

Labcorp Genetics (formerly Invitae), Labcorp
Classification: Uncertain significance. Last evaluated: 2025-02-25. Review status: criteria provided, single submitter. Criteria: Invitae Variant Classification Sherloc (09022015). Collection method: clinical testing. Allele origin: germline.
Comment: This sequence change replaces asparagine, which is neutral and polar, with lysine, which is basic and polar, at codon 503 of the DVL3 protein (p.Asn503Lys). This variant is present in population databases (rs756068479, gnomAD 0.008%). This variant has not been reported in the literature in individuals affected with DVL3-related conditions. Invitae Evidence Modeling of protein sequence and biophysical properties (such as structural, functional, and spatial information, amino acid conservation, physicochemical variation, residue mobility, and thermodynamic stability) indicates that this missense variant is not expected to disrupt DVL3 protein function with a negative predictive value of 80%. In summary, the available evidence is currently insufficient to determine the role of this variant in disease. Therefore, it has been classified as a Variant of Uncertain Significance.